The following is an entry in ClinVar:

NM_000143.4(FH):c.1347del (p.Met449fs)

Gene: FH (fumarate hydratase; minus strand). Cytogenetic location: 1q43.
Variant type: Deletion.
Coding change: c.1347del on transcript NM_000143.4 (MANE Select); coding-DNA position 1347, one base deleted (G; older notation c.1347delG).
Protein change: p.Met449fs; shifts the reading frame from methionine 449.
Molecular consequence: frameshift variant.
Genome position (GRCh38, 1-based): chr1:241,500,480, C deleted on the plus strand (G on the coding strand, the reverse complement: FH is on the minus strand). VCF-style (leftmost placement, unchanged base first): chr1-241500479-TC-T. GRCh37 (hg19) VCF-style: chr1-241663779-TC-T.
Other names: c.1347delG (NM_000143.3); short protein forms M449fs.
Identifiers: ClinVar variation 405924 (VCV000405924.10), dbSNP rs1060500903, ClinGen allele CA16610100.

ClinVar aggregate classification (germline): Pathogenic. Review status: criteria provided, multiple submitters, no conflicts (2 of 4 stars). 2 submissions from 2 submitters: Pathogenic (2). Last evaluated 2023-06-21.

Conditions:
Hereditary cancer-predisposing syndrome. Also called: Hereditary Cancer Syndrome; Hereditary neoplastic syndrome; Neoplastic Syndromes, Hereditary; Tumor predisposition. Identifiers: Orphanet 140162, MedGen C0027672, MeSH D009386, MONDO:0015356.

Submissions (2):

Ambry Genetics
Classification: Pathogenic for Hereditary cancer-predisposing syndrome. Last evaluated: 2023-06-21. Review status: criteria provided, single submitter. Criteria: Ambry Variant Classification Scheme 2023. Collection method: clinical testing. Allele origin: germline.
Comment: The c.1347delG pathogenic mutation, located in coding exon 9 of the FH gene, results from a deletion of one nucleotide at nucleotide position 1347, causing a translational frameshift with a predicted alternate stop codon (p.M449Ifs*5). This alteration has been observed in multiple individuals with a personal and/or family history that is consistent with FH-related disease (Ambry internal data; Alam, NA et al. Hum Mol Genet 2003 Jun;12(11):1241-52; Forde, C et al. Eur Urol Oncol 2020 Dec;3(6):764-772). This variant is considered to be rare based on population cohorts in the Genome Aggregation Database (gnomAD). This alteration is expected to result in loss of function by premature protein truncation or nonsense-mediated mRNA decay. As such, this alteration is interpreted as a disease-causing mutation.

Labcorp Genetics (formerly Invitae), Labcorp
Classification: Pathogenic. Last evaluated: 2016-11-02. Review status: criteria provided, single submitter. Criteria: Invitae Variant Classification Sherloc (09022015). Collection method: clinical testing. Allele origin: germline.
Comment: For these reasons, this variant has been classified as Pathogenic. This truncation removes the last 56 amino acids (Met454-Lys510) from the full-length FH protein. A downstream truncating variant (p.Trp500*) deleting the last 11 amino acids has been observed in an individual with fumarate hydratase deficiency (PMID: 9635293, 20549362). It was also shown to segregate with disease in a large family with hereditary leiomyomatosis and renal cell cancer (HLRCC) (PMID: 21398687). In addition, another downstream truncation (p.Ala458Hisfs*10) that removes the last 53 amino acids of the FH protein has been classified as Likely Pathogenic at Invitae. This suggests that C-terminal truncation of FH is deleterious to protein function. This variant has been reported in the literature in an individual affected with multiple cutaneous and uterine leiomyomatosis (PMID: 11865300), and in a family with four affected members (PMID: 12761039). This variant is also known in the literature as 1-bp del. in codon 507. This sequence change deletes 1 nucleotide from exon 9 of the FH mRNA (c.1347delG), causing a frameshift at codon 449. This creates a premature translational stop signal in the previous to last exon of the FH mRNA (p.Met449Ilefs*5). While this is not anticipated to result in nonsense mediated decay, it is expected to delete the last 57 amino acids of the FH protein.

Literature cited by the submitters: PubMed 12761039 (cited by Ambry Genetics and Labcorp Genetics (formerly Invitae), Labcorp); PubMed 31831373 (cited by Ambry Genetics); PubMed 9635293 (cited by Labcorp Genetics (formerly Invitae), Labcorp); PubMed 20549362 (cited by Labcorp Genetics (formerly Invitae), Labcorp); PubMed 21398687 (cited by Labcorp Genetics (formerly Invitae), Labcorp); PubMed 11865300 (cited by Labcorp Genetics (formerly Invitae), Labcorp).